The following is an entry in ClinVar:

ClinVar aggregate classification (germline): Uncertain significance (1 of 4 stars; one submission).

Submission:

Women's Health and Genetics/Laboratory Corporation of America, LabCorp
Classification: Uncertain significance. Last evaluated: 2025-01-27. Review status: criteria provided, single submitter. Criteria: LabCorp Variant Classification Summary - May 2015. Collection method: clinical testing. Allele origin: germline.
Comment: Variant summary: GH1 c.616G>A (p.Val206Met) results in a conservative amino acid change located in the Somatotropin hormone family (IPR001400) of the encoded protein sequence. Five of five in-silico tools predict a benign effect of the variant on protein function. The variant allele was found at a frequency of 1.2e-05 in 251248 control chromosomes. The available data on variant occurrences in the general population are insufficient to allow any conclusion about variant significance. To our knowledge, no occurrence of c.616G>A in individuals affected with Idiopathic Growth Hormone Deficiency and no experimental evidence demonstrating its impact on protein function have been reported. No submitters have cited clinical-significance assessments for this variant to ClinVar. Based on the evidence outlined above, the variant was classified as uncertain significance.

NM_000515.5(GH1):c.616G>A (p.Val206Met)

Genes: GH-LCR (growth hormone locus control region; plus strand), GH1 (growth hormone 1; minus strand). Cytogenetic location: 17q23.3.
Variant type: single nucleotide variant.
Coding change: c.616G>A on transcript NM_000515.5 (MANE Select); coding-DNA position 616, G replaced by A.
Protein change: p.Val206Met; replaces valine 206 with methionine.
Molecular consequence: missense variant.
Genome position (GRCh38, 1-based): chr17:63,917,347, C>T on the plus strand (G>A on the coding strand, the complement: GH1 is on the minus strand). VCF-style: chr17-63917347-C-T. GRCh37 (hg19) VCF-style: chr17-61994707-C-T.
Other names: c.571G>A, p.Val191Met (NM_022559.4); c.496G>A, p.Val166Met (NM_022560.4); short protein forms V166M, V191M, V206M.
Identifiers: ClinVar variation 3769423 (VCV003769423.2).